The following is an entry in ClinVar:

ClinVar aggregate classification (germline): Benign (0 of 4 stars; one submission).

Conditions:
PTPRS-related disorder. Also called: PTPRS-related condition.

Allele frequency attached by ClinVar (database versions not stated): gnomAD exomes 0.00492; ExAC 0.01693; 1000 Genomes Project 0.05791; ESP Exome Variant Server 0.05920; 1000 Genomes Project 30x 0.06371.
gnomAD v4.1: 15,400 of 1,614,124 alleles (0.95%); highest among the groups gnomAD compares: African/African-American, 18%; 1,237 homozygotes.

Submissions (11):

PreventionGenetics, part of Exact Sciences
Classification: Benign for PTPRS-related condition. Last evaluated: 2020-01-02. Review status: no assertion criteria provided. Collection method: clinical testing. Allele origin: germline.
Comment: This variant is classified as benign based on ACMG/AMP sequence variant interpretation guidelines (Richards et al. 2015 PMID: 25741868, with internal and published modifications).

Dr. Peter K. Rogan Lab, Western University
No classification provided (evidence only). Condition: Clear cell carcinoma of kidney. Review status: no classification provided. Collection method: in vitro. Allele origin: not applicable. Functional consequence: retained intron. Not counted in ClinVar's aggregate classification.

Dr. Peter K. Rogan Lab, Western University
No classification provided (evidence only). Condition: Clear cell carcinoma of kidney. Review status: no classification provided. Collection method: in vitro. Allele origin: not applicable. Functional consequence: retained intron. Not counted in ClinVar's aggregate classification.

Dr. Peter K. Rogan Lab, Western University
No classification provided (evidence only). Condition: Clear cell carcinoma of kidney. Review status: no classification provided. Collection method: in vitro. Allele origin: not applicable. Functional consequence: retained intron. Not counted in ClinVar's aggregate classification.

Dr. Peter K. Rogan Lab, Western University
No classification provided (evidence only). Condition: Lung cancer. Review status: no classification provided. Collection method: in vitro. Allele origin: not applicable. Functional consequence: retained intron. Not counted in ClinVar's aggregate classification.

Dr. Peter K. Rogan Lab, Western University
No classification provided (evidence only). Condition: Uterine corpus endometrial carcinoma. Review status: no classification provided. Collection method: in vitro. Allele origin: not applicable. Functional consequence: retained intron. Not counted in ClinVar's aggregate classification.

Dr. Peter K. Rogan Lab, Western University
No classification provided (evidence only). Condition: Uterine corpus endometrial carcinoma. Review status: no classification provided. Collection method: in vitro. Allele origin: not applicable. Functional consequence: retained intron. Not counted in ClinVar's aggregate classification.

Dr. Peter K. Rogan Lab, Western University
No classification provided (evidence only). Condition: Cervical cancer. Review status: no classification provided. Collection method: in vitro. Allele origin: not applicable. Functional consequence: retained intron. Not counted in ClinVar's aggregate classification.

Dr. Peter K. Rogan Lab, Western University
No classification provided (evidence only). Condition: Cervical cancer. Review status: no classification provided. Collection method: in vitro. Allele origin: not applicable. Functional consequence: retained intron. Not counted in ClinVar's aggregate classification.

Dr. Peter K. Rogan Lab, Western University
No classification provided (evidence only). Condition: Sarcoma. Review status: no classification provided. Collection method: in vitro. Allele origin: not applicable. Functional consequence: retained intron. Not counted in ClinVar's aggregate classification.

Dr. Peter K. Rogan Lab, Western University
No classification provided (evidence only). Condition: Gastric cancer. Review status: no classification provided. Collection method: in vitro. Allele origin: not applicable. Functional consequence: retained intron. Not counted in ClinVar's aggregate classification.

NM_002850.4(PTPRS):c.4500G>A (p.Lys1500=)

Gene: PTPRS (protein tyrosine phosphatase receptor type S; minus strand). Cytogenetic location: 19p13.3.
Variant type: single nucleotide variant.
Coding change: c.4500G>A on transcript NM_002850.4 (MANE Select); coding-DNA position 4500, G replaced by A.
Protein change: p.Lys1500=; no amino-acid change (lysine 1500 retained).
Molecular consequence: synonymous variant.
Genome position (GRCh38, 1-based): chr19:5,214,475, C>T on the plus strand (G>A on the coding strand, the complement: PTPRS is on the minus strand). VCF-style: chr19-5214475-C-T. GRCh37 (hg19) VCF-style: chr19-5214486-C-T.
Other names: NC_000019.9:g.5214486C>T; c.4434G>A, p.Lys1478= (NM_001394011.1); c.4413G>A, p.Lys1471= (NM_001394012.1); c.4374G>A, p.Lys1458= (NM_001394013.1); c.3159G>A, p.Lys1053= (NM_130853.3); c.4386G>A, p.Lys1462= (NM_130854.3); c.3171G>A, p.Lys1057= (NM_130855.3).
Identifiers: ClinVar variation 3055981 (VCV003055981.3), dbSNP rs61729768, ClinGen allele CA9109097.